The following is an entry in ClinVar:

ClinVar aggregate classification (germline): Uncertain significance. Review status: criteria provided, multiple submitters, no conflicts (2 of 4 stars). 2 submissions from 2 submitters: Uncertain significance (2). Last evaluated 2023-01-25.

Conditions:
Hereditary cancer-predisposing syndrome. Also called: Hereditary Cancer Syndrome; Hereditary neoplastic syndrome; Neoplastic Syndromes, Hereditary; Tumor predisposition. Identifiers: Orphanet 140162, MedGen C0027672, MeSH D009386, MONDO:0015356.
Tuberous sclerosis 2 (TSC2). Identifiers: Orphanet 805, MedGen C1860707, MONDO:0013199, OMIM 613254.

Submissions (2):

Ambry Genetics
Classification: Uncertain significance for Hereditary cancer-predisposing syndrome. Last evaluated: 2023-01-25. Review status: criteria provided, single submitter. Criteria: Ambry Variant Classification Scheme 2023. Collection method: clinical testing. Allele origin: germline.
Comment: The p.S1464A variant (also known as c.4390T>G), located in coding exon 33 of the TSC2 gene, results from a T to G substitution at nucleotide position 4390. The serine at codon 1464 is replaced by alanine, an amino acid with similar properties. This amino acid position is conserved. In addition, this alteration is predicted to be deleterious by in silico analysis. Since supporting evidence is limited at this time, the clinical significance of this alteration remains unclear.

Labcorp Genetics (formerly Invitae), Labcorp
Classification: Uncertain significance for Tuberous sclerosis 2. Last evaluated: 2022-01-17. Review status: criteria provided, single submitter. Criteria: Invitae Variant Classification Sherloc (09022015). Collection method: clinical testing. Allele origin: germline.
Comment: This variant is not present in population databases (gnomAD no frequency). This sequence change replaces serine, which is neutral and polar, with alanine, which is neutral and non-polar, at codon 1464 of the TSC2 protein (p.Ser1464Ala). This variant has not been reported in the literature in individuals affected with TSC2-related conditions. In summary, the available evidence is currently insufficient to determine the role of this variant in disease. Therefore, it has been classified as a Variant of Uncertain Significance. Advanced modeling of protein sequence and biophysical properties (such as structural, functional, and spatial information, amino acid conservation, physicochemical variation, residue mobility, and thermodynamic stability) performed at Invitae indicates that this missense variant is not expected to disrupt TSC2 protein function.

NM_000548.5(TSC2):c.4390T>G (p.Ser1464Ala)

Gene: TSC2 (TSC complex subunit 2; plus strand). Cytogenetic location: 16p13.3.
Variant type: single nucleotide variant.
Coding change: c.4390T>G on transcript NM_000548.5 (MANE Select); coding-DNA position 4390, T replaced by G.
Protein change: p.Ser1464Ala; replaces serine 1464 with alanine.
Molecular consequence: missense variant.
Genome position (GRCh38, 1-based): chr16:2,084,612, T>G. VCF-style: chr16-2084612-T-G. GRCh37 (hg19) VCF-style: chr16-2134613-T-G.
Other names: c.4189T>G, p.Ser1397Ala (NM_001077183.3); c.4321T>G, p.Ser1441Ala (NM_001114382.3); c.4081T>G, p.Ser1361Ala (NM_001318827.2); c.4045T>G, p.Ser1349Ala (NM_001318829.2); c.3658T>G, p.Ser1220Ala (NM_001318831.2); c.4222T>G, p.Ser1408Ala (NM_001318832.2); c.4192T>G, p.Ser1398Ala (NM_001363528.2); c.4258T>G, p.Ser1420Ala (NM_001370404.1); and 26 more; short protein forms S1241A, S1378A, S1393A, S1394A, S1397A, S1428A, S1438A, S1440A.
Identifiers: ClinVar variation 2086681 (VCV002086681.5), dbSNP rs2544283370, ClinGen allele CA394301871.